The following is an entry in ClinVar:

NM_016333.4(SRRM2):c.5534C>G (p.Pro1845Arg)

Gene: SRRM2 (serine/arginine repetitive matrix 2; plus strand). Cytogenetic location: 16p13.3.
Variant type: single nucleotide variant.
Coding change: c.5534C>G on transcript NM_016333.4 (MANE Select); coding-DNA position 5534, C replaced by G.
Protein change: p.Pro1845Arg; replaces proline 1845 with arginine.
Molecular consequence: missense variant.
Genome position (GRCh38, 1-based): chr16:2,766,062, C>G. VCF-style: chr16-2766062-C-G. GRCh37 (hg19) VCF-style: chr16-2816063-C-G.
Other names: short protein forms P1845R.
Identifiers: ClinVar variation 3369723 (VCV003369723.1).

ClinVar aggregate classification (germline): Uncertain significance (1 of 4 stars; one submission).

Submission:

GeneDx
Classification: Uncertain significance. Last evaluated: 2024-02-23. Review status: criteria provided, single submitter. Criteria: GeneDx Variant Classification Process June 2021. Collection method: clinical testing. Allele origin: germline. Affected: yes.
Comment: Not observed at significant frequency in large population cohorts (gnomAD); In silico analysis supports that this missense variant does not alter protein structure/function; Has not been previously published as pathogenic or benign to our knowledge